The following is an entry in ClinVar:

NM_003289.4(TPM2):c.464C>T (p.Ala155Val)

Gene: TPM2 (tropomyosin 2; minus strand). Cytogenetic location: 9p13.3.
Variant type: single nucleotide variant.
Coding change: c.464C>T on transcript NM_003289.4 (MANE Select); coding-DNA position 464, C replaced by T.
Protein change: p.Ala155Val; replaces alanine 155 with valine.
Molecular consequence: missense variant.
Genome position (GRCh38, 1-based): chr9:35,685,462, G>A on the plus strand (C>T on the coding strand, the complement: TPM2 is on the minus strand). VCF-style: chr9-35685462-G-A. GRCh37 (hg19) VCF-style: chr9-35685459-G-A.
Other names: c.464C>T, p.Ala155Val (NM_001301226.2, NM_001301227.2, NM_213674.1); short protein forms A155V.
Identifiers: ClinVar variation 854448 (VCV000854448.9), dbSNP rs1824846097, ClinGen allele CA373367164.

ClinVar aggregate classification (germline): Uncertain significance (1 of 4 stars; one submission).

Conditions:
Arthrogryposis, distal, type 1A. Also called: ARTHROGRYPOSIS MULTIPLEX CONGENITA, DISTAL, TYPE I. Identifiers: Orphanet 1146, MedGen C6022280, MONDO:0007157, OMIM 108120.

Submission:

Labcorp Genetics (formerly Invitae), Labcorp
Classification: Uncertain significance for Arthrogryposis, distal, type 1A. Last evaluated: 2025-11-12. Review status: criteria provided, single submitter. Criteria: Invitae Variant Classification Sherloc (09022015). Collection method: clinical testing. Allele origin: germline.
Comment: This sequence change replaces alanine, which is neutral and non-polar, with valine, which is neutral and non-polar, at codon 155 of the TPM2 protein (p.Ala155Val). This variant is not present in population databases (gnomAD no frequency). This missense change has been observed in individual(s) with clinical features of congenital myopathy (PMID: 22832343; internal data). In at least one individual the variant was observed to be de novo. ClinVar contains an entry for this variant (Variation ID: 854448). Invitae Evidence Modeling of protein sequence and biophysical properties (such as structural, functional, and spatial information, amino acid conservation, physicochemical variation, residue mobility, and thermodynamic stability) has been performed for this missense variant. However, the output from this modeling did not meet the statistical confidence thresholds required to predict the impact of this variant on TPM2 protein function. In summary, the available evidence is currently insufficient to determine the role of this variant in disease. Therefore, it has been classified as a Variant of Uncertain Significance.

Literature cited by the submitters: PubMed 22832343.